The following is an entry in ClinVar:

NM_001005242.3(PKP2):c.486G>T (p.Thr162=)

Gene: PKP2 (plakophilin 2; minus strand). Cytogenetic location: 12p11.21.
Variant type: single nucleotide variant.
Coding change: c.486G>T on transcript NM_001005242.3 (MANE Select); coding-DNA position 486, G replaced by T.
Protein change: p.Thr162=; no amino-acid change (threonine 162 retained).
Molecular consequence: synonymous variant.
Genome position (GRCh38, 1-based): chr12:32,878,394, C>A on the plus strand (G>T on the coding strand, the complement: PKP2 is on the minus strand). VCF-style: chr12-32878394-C-A. GRCh37 (hg19) VCF-style: chr12-33031328-C-A.
Other names: c.486G>T, p.Thr162= (NM_001407155.1, NM_001407156.1, NM_001407157.1 and 2 more transcripts); c.159G>T, p.Thr53= (NM_001407158.1, NM_001407159.1, NM_001407160.1 and 1 more transcripts).
Identifiers: ClinVar variation 1743707 (VCV001743707.4), dbSNP rs189040311, ClinGen allele CA235266699.

ClinVar aggregate classification (germline): Likely benign. Review status: criteria provided, multiple submitters, no conflicts (2 of 4 stars). 3 submissions from 3 submitters: Likely benign (3). Last evaluated 2025-09-17.

Conditions:
Cardiovascular phenotype. Identifiers: MedGen CN230736.
Arrhythmogenic right ventricular cardiomyopathy (ARVD). Also called: Cardiomyopathy, ARVC; Arrhythmogenic right ventricular dysplasia; Arrhythmogenic cardiomyopathy; Arrhythmogenic Right Ventricular Cardiomyopathy (ARVC). Identifiers: Orphanet 247, MedGen C0349788, MeSH D019571, MONDO:0016587. Disease mechanism: loss of function. Inheritance: Various modes of inheritance.
Arrhythmogenic right ventricular dysplasia 9 (ARVD9). Also called: Arrhythmogenic Right Ventricular Dysplasia/Cardiomyopathy 9; ARRHYTHMOGENIC RIGHT VENTRICULAR DYSPLASIA, FAMILIAL, 9. Identifiers: MedGen C1836906, MONDO:0012180, OMIM 609040.

gnomAD v4.1: 4 of 1,613,962 alleles (0.00025%); highest among the groups gnomAD compares: Non-Finnish European, 0.00034%; no homozygotes.

Submissions (3):

Labcorp Genetics (formerly Invitae), Labcorp
Classification: Likely benign for Arrhythmogenic right ventricular dysplasia 9. Last evaluated: 2025-09-17. Review status: criteria provided, single submitter. Criteria: Invitae Variant Classification Sherloc (09022015). Collection method: clinical testing. Allele origin: germline.

All of Us Research Program, National Institutes of Health
Classification: Likely benign for Arrhythmogenic right ventricular cardiomyopathy. Last evaluated: 2024-07-29. Review status: criteria provided, single submitter. Criteria: ACMG Guidelines, 2015. Collection method: clinical testing. Allele origin: germline. Inheritance: Autosomal dominant inheritance. Observed: 2 variant alleles, 2 heterozygotes.
Comment: This study involves interpretation of variants in research participants for the purpose of population health screening. Participant phenotype was not available at the time of variant classification. Additional details can be found in publication PMID: 35346344, PMCID: PMC8962531

Ambry Genetics
Classification: Likely benign for Cardiovascular phenotype. Last evaluated: 2022-07-06. Review status: criteria provided, single submitter. Criteria: Ambry Variant Classification Scheme 2023. Collection method: clinical testing. Allele origin: germline.